The following is an entry in ClinVar:

ClinVar aggregate classification (germline): Uncertain significance (1 of 4 stars; one submission).

Allele frequency attached by ClinVar (database versions not stated): gnomAD exomes below 0.00001; TOPMed below 0.00001; ExAC 0.00001.
gnomAD v4.1: 1 of 1,612,838 alleles (0.000062%); highest among the groups gnomAD compares: Admixed American, 0.0017%; no homozygotes.

Submission:

Labcorp Genetics (formerly Invitae), Labcorp
Classification: Uncertain significance. Last evaluated: 2022-08-15. Review status: criteria provided, single submitter. Criteria: Invitae Variant Classification Sherloc (09022015). Collection method: clinical testing. Allele origin: germline.
Comment: This sequence change replaces glycine, which is neutral and non-polar, with valine, which is neutral and non-polar, at codon 272 of the TONSL protein (p.Gly272Val). The frequency data for this variant in the population databases is considered unreliable, as metrics indicate poor data quality at this position in the gnomAD database. This variant has not been reported in the literature in individuals affected with TONSL-related conditions. Algorithms developed to predict the effect of missense changes on protein structure and function are either unavailable or do not agree on the potential impact of this missense change (SIFT: "Deleterious"; PolyPhen-2: "Probably Damaging"; Align-GVGD: "Class C0"). In summary, the available evidence is currently insufficient to determine the role of this variant in disease. Therefore, it has been classified as a Variant of Uncertain Significance.

NM_013432.5(TONSL):c.815G>T (p.Gly272Val)

Gene: TONSL (tonsoku like, DNA repair protein; minus strand). Cytogenetic location: 8q24.3.
Variant type: single nucleotide variant.
Coding change: c.815G>T on transcript NM_013432.5 (MANE Select); coding-DNA position 815, G replaced by T.
Protein change: p.Gly272Val; replaces glycine 272 with valine.
Molecular consequence: missense variant.
Genome position (GRCh38, 1-based): chr8:144,442,087, C>A on the plus strand (G>T on the coding strand, the complement: TONSL is on the minus strand). VCF-style: chr8-144442087-C-A. GRCh37 (hg19) VCF-style: chr8-145667470-C-A.
Other names: short protein forms G272V.
Identifiers: ClinVar variation 1937280 (VCV001937280.2), dbSNP rs767283288, ClinGen allele CA4943490.